The following is an entry in ClinVar:

NM_003738.5(PTCH2):c.3208T>C (p.Leu1070=)

Gene: PTCH2 (patched 2; minus strand). Cytogenetic location: 1p34.1.
Variant type: single nucleotide variant.
Coding change: c.3208T>C on transcript NM_003738.5 (MANE Select); coding-DNA position 3208, T replaced by C.
Protein change: p.Leu1070=; no amino-acid change (leucine 1070 retained).
Molecular consequence: synonymous variant.
Genome position (GRCh38, 1-based): chr1:44,823,292, A>G on the plus strand (T>C on the coding strand, the complement: PTCH2 is on the minus strand). VCF-style: chr1-44823292-A-G. GRCh37 (hg19) VCF-style: chr1-45288964-A-G.
Other names: c.3208T>C, p.Leu1070= (NM_001166292.2).
Identifiers: ClinVar variation 4822352 (VCV004822352.4).

ClinVar aggregate classification (germline): Likely benign (1 of 4 stars; one submission).

gnomAD v4.1: 1 of 1,614,222 alleles (0.000062%); highest among the groups gnomAD compares: Non-Finnish European, 0.000085%; no homozygotes.

Submission:

CeGaT Center for Human Genetics Tuebingen
Classification: Likely benign. Last evaluated: 2026-03-01. Review status: criteria provided, single submitter. Criteria: CeGaT Center For Human Genetics Tuebingen Variant Classification Criteria Version 2. Collection method: clinical testing. Allele origin: germline. Affected: yes. Observed: 1 variant allele.
Comment: PTCH2: BP4, BP7